The following is an entry in ClinVar:

ClinVar aggregate classification (germline): Pathogenic (1 of 4 stars; one submission).

Conditions:
Axenfeld-Rieger syndrome type 3 (RIEG3). Also called: AXENFELD-RIEGER ANOMALY WITH CARDIAC DEFECTS AND/OR SENSORINEURAL HEARING LOSS. Identifiers: Orphanet 782, MedGen C2678503, MONDO:0011233, OMIM 602482.

Submission:

Labcorp Genetics (formerly Invitae), Labcorp
Classification: Pathogenic for Axenfeld-Rieger syndrome type 3. Last evaluated: 2018-03-13. Review status: criteria provided, single submitter. Criteria: Invitae Variant Classification Sherloc (09022015). Collection method: clinical testing. Allele origin: unknown.
Comment: This sequence change is a complex rearrangement involving exon 1 of the FOXC1 mRNA (c.-4362-878delins261). This removes the initiator methionine along with approximately half of the coding sequence and over 4kb of upstream sequence. As such, this likely results in the absence of a FOXC1 protein product. While this particular variant has not been reported in the literature, deletion of the entire FOXC1 gene has been reported in several individuals affected with anterior segment dysgenesis and Axenfeld-Rieger syndrome (PMID: 20881294, 22382802). Loss-of-function variants in FOXC1 are known to be pathogenic (PMID: 16936096, 20881294). For these reasons, this variant has been classified as Pathogenic.

Literature cited by the submitters: PubMed 20881294; PubMed 22382802; PubMed 16936096.

NC_000006.11:g.(?_1606319)_(1611558_?)del

Gene: FOXC1 (forkhead box C1; plus strand). Cytogenetic location: 6p25.3.
Variant type: Deletion.
Identifiers: ClinVar variation 3246019 (VCV003246019.1).